The following is an entry in ClinVar:

NM_000391.4(TPP1):c.688-18C>T

Gene: TPP1 (tripeptidyl peptidase 1; minus strand). Cytogenetic location: 11p15.4.
Variant type: single nucleotide variant.
Coding change: c.688-18C>T on transcript NM_000391.4 (MANE Select); 18 bases into the intron before coding-DNA position 688, C replaced by T.
Molecular consequence: intron variant.
Genome position (GRCh38, 1-based): chr11:6,616,877, G>A on the plus strand (C>T on the coding strand, the complement: TPP1 is on the minus strand). VCF-style: chr11-6616877-G-A. GRCh37 (hg19) VCF-style: chr11-6638108-G-A.
Identifiers: ClinVar variation 137700 (VCV000137700.12), dbSNP rs376868997, ClinGen allele CA291355.

ClinVar aggregate classification (germline): Benign/Likely benign. Review status: criteria provided, multiple submitters, no conflicts (2 of 4 stars). 5 submissions from 5 submitters: Benign (1); Likely benign (4). Last evaluated 2026-01-21.

Allele frequency attached by ClinVar (database versions not stated): TOPMed 0.00033; gnomAD 0.00038; ESP Exome Variant Server 0.00069.
gnomAD v4.1: 887 of 1,613,938 alleles (0.055%); highest among the groups gnomAD compares: Non-Finnish European, 0.071%; 1 homozygote.

Submissions (5):

Labcorp Genetics (formerly Invitae), Labcorp
Classification: Likely benign. Last evaluated: 2026-01-21. Review status: criteria provided, single submitter. Criteria: Invitae Variant Classification Sherloc (09022015). Collection method: clinical testing. Allele origin: germline.

Blueprint Genetics
Classification: Likely benign. Last evaluated: 2024-11-19. Review status: criteria provided, single submitter. Criteria: ACMG Guidelines, 2015. Collection method: clinical testing. Allele origin: germline.

Women's Health and Genetics/Laboratory Corporation of America, LabCorp
Classification: Likely benign. Last evaluated: 2023-11-03. Review status: criteria provided, single submitter. Criteria: LabCorp Variant Classification Summary - May 2015. Collection method: clinical testing. Allele origin: germline.
Comment: Variant summary: TPP1 c.688-18C>T alters a nucleotide located at a position not widely known to affect splicing. Consensus agreement among computation tools predict no significant impact on normal splicing. However, these predictions have yet to be confirmed by functional studies. The variant allele was found at a frequency of 0.00036 in 251344 control chromosomes (gnomAD). This frequency is not significantly higher than estimated for a pathogenic variant in TPP1 causing Neuronal Ceroid-Lipofuscinosis (Batten Disease) (0.00036 vs 0.002), allowing no conclusion about variant significance. To our knowledge, no occurrence of c.688-18C>T in individuals affected with Neuronal Ceroid-Lipofuscinosis (Batten Disease) and no experimental evidence demonstrating its impact on protein function have been reported. One submitter has cited clinical-significance assessments for this variant to ClinVar after 2014 and has classified the variant as likely benign. Based on the evidence outlined above, the variant was classified as likely benign.

GeneDx
Classification: Benign. Last evaluated: 2013-10-17. Review status: criteria provided, single submitter. Criteria: GeneDx Variant Classification (06012015). Collection method: clinical testing. Allele origin: germline. Affected: yes.
Comment: This variant is considered likely benign or benign based on one or more of the following criteria: it is a conservative change, it occurs at a poorly conserved position in the protein, it is predicted to be benign by multiple in silico algorithms, and/or has population frequency not consistent with disease.

PreventionGenetics, part of Exact Sciences
Classification: Likely benign. Review status: criteria provided, single submitter. Criteria: ACMG Guidelines, 2015. Collection method: clinical testing. Allele origin: germline.